The following is an entry in ClinVar:

ClinVar aggregate classification (germline): Uncertain significance (1 of 4 stars; one submission).

Conditions:
Hereditary cancer-predisposing syndrome. Also called: Tumor predisposition; Hereditary neoplastic syndrome; Hereditary Cancer Syndrome; Neoplastic Syndromes, Hereditary. Identifiers: Orphanet 140162, MedGen C0027672, MeSH D009386, MONDO:0015356.

Submission:

Ambry Genetics
Classification: Uncertain significance for Hereditary cancer-predisposing syndrome. Last evaluated: 2025-05-03. Review status: criteria provided, single submitter. Criteria: Ambry Variant Classification Scheme 2023. Collection method: clinical testing. Allele origin: germline.
Comment: The p.F51S variant (also known as c.152T>C), located in coding exon 1 of the PHOX2B gene, results from a T to C substitution at nucleotide position 152. The phenylalanine at codon 51 is replaced by serine, an amino acid with highly dissimilar properties. This amino acid position is conserved. In addition, this alteration is predicted to be deleterious by in silico analysis. Based on the available evidence, the clinical significance of this variant remains unclear.

NM_003924.4(PHOX2B):c.152T>C (p.Phe51Ser)

Genes: PHOX2B (paired like homeobox 2B; minus strand), PHOX2B-AS1 (PHOX2B antisense RNA 1; plus strand). Cytogenetic location: 4p13.
Variant type: single nucleotide variant.
Coding change: c.152T>C on transcript NM_003924.4 (MANE Select); coding-DNA position 152, T replaced by C.
Protein change: p.Phe51Ser; replaces phenylalanine 51 with serine.
Molecular consequence: missense variant. On other transcripts: non-coding transcript variant (1).
Genome position (GRCh38, 1-based): chr4:41,748,459, A>G on the plus strand (T>C on the coding strand, the complement: PHOX2B is on the minus strand). VCF-style: chr4-41748459-A-G. GRCh37 (hg19) VCF-style: chr4-41750476-A-G.
Other names: short protein forms F51S.
Identifiers: ClinVar variation 3931852 (VCV003931852.1).
Genomic context (GRCh38, chr4:41,748,459, plus strand): 5'-CTGAGGGTGCCCAGGCTGCAGGATCCCGGCGTGAGGGAAGGGCAGCCGGACGTGGCCCCA[A>G]AAGTGGTCCTTATCGGGTTATACTGGAAGCCACTGGCCTGGCTGCAGGAACTGAAGTCAG-3'
Protein context (NP_003915.2, residues 41-61): GFQYNPIRTT[Phe51Ser]GATSGCPSLT